The following is an entry in ClinVar:

NM_020884.7(MYH7B):c.1866G>A (p.Ala622=)

Gene: MYH7B (myosin heavy chain 7B; plus strand). Cytogenetic location: 20q11.22.
Variant type: single nucleotide variant.
Coding change: c.1866G>A on transcript NM_020884.7 (MANE Select); coding-DNA position 1866, G replaced by A.
Protein change: p.Ala622=; no amino-acid change (alanine 622 retained).
Molecular consequence: synonymous variant.
Genome position (GRCh38, 1-based): chr20:34,990,112, G>A. VCF-style: chr20-34990112-G-A. GRCh37 (hg19) VCF-style: chr20-33577915-G-A.
Other names: c.1992G>A (NM_020884.4).
Identifiers: ClinVar variation 1531113 (VCV001531113.33), dbSNP rs191389090, ClinGen allele CA9827079.

ClinVar aggregate classification (germline): Benign/Likely benign. Review status: criteria provided, multiple submitters, no conflicts (2 of 4 stars). 4 submissions from 4 submitters: Benign (2); Likely benign (2). Last evaluated 2026-01-29.

Conditions:
MYH7B-related disorder. Also called: MYH7B-related condition.

Allele frequency attached by ClinVar (database versions not stated): 1000 Genomes Project 30x 0.00078; 1000 Genomes Project 0.00100; gnomAD 0.00141 and 0.00145; TOPMed 0.00162; ExAC 0.00176; gnomAD exomes 0.00179 and 0.00181; ESP Exome Variant Server 0.00188.
gnomAD v4.1: 2,873 of 1,614,100 alleles (0.18%); highest among the groups gnomAD compares: Middle Eastern, 0.78%; 11 homozygotes.

Submissions (4):

Labcorp Genetics (formerly Invitae), Labcorp
Classification: Benign. Last evaluated: 2026-01-29. Review status: criteria provided, single submitter. Criteria: Invitae Variant Classification Sherloc (09022015). Collection method: clinical testing. Allele origin: germline.

PreventionGenetics, part of Exact Sciences
Classification: Likely benign for MYH7B-related condition. Last evaluated: 2024-12-30. Review status: criteria provided, single submitter. Criteria: ACMG Guidelines, 2015. Collection method: clinical testing. Allele origin: germline.
Comment: This variant is classified as likely benign based on ACMG/AMP sequence variant interpretation guidelines (Richards et al. 2015 PMID: 25741868, with internal and published modifications).

CeGaT Center for Human Genetics Tuebingen
Classification: Likely benign. Last evaluated: 2023-03-01. Review status: criteria provided, single submitter. Criteria: CeGaT Center For Human Genetics Tuebingen Variant Classification Criteria Version 2. Collection method: clinical testing. Allele origin: germline. Affected: yes. Observed: 1 variant allele.
Comment: MYH7B: BP4, BP7

Breakthrough Genomics
Classification: Benign. Review status: criteria provided, single submitter. Criteria: ACMG Guidelines, 2015. Collection method: not provided. Allele origin: germline. Inheritance: Unknown mechanism. Affected: yes.